The following is an entry in ClinVar:

ClinVar aggregate classification (germline): Conflicting classifications of pathogenicity. Review status: criteria provided, conflicting classifications (1 of 4 stars). 2 submissions from 2 submitters: Uncertain significance (1); Likely benign (1). Last evaluated 2022-06-29.

Conditions:
Inborn genetic diseases. Identifiers: MedGen C0950123, MeSH D030342.
Inflammatory bowel disease 28. Also called: Inflammatory bowel disease 28, early onset, autosomal recessive. Identifiers: Orphanet 238569, MedGen C2751053, MONDO:0013153, OMIM 613148.

Allele frequency attached by ClinVar (database versions not stated): gnomAD exomes below 0.00001; ExAC 0.00001; TOPMed 0.00002; gnomAD 0.00003; ESP Exome Variant Server 0.00008.
gnomAD v4.1: 10 of 1,613,604 alleles (0.00062%); highest among the groups gnomAD compares: Non-Finnish European, 0.00085%; no homozygotes.

Submissions (2):

Ambry Genetics
Classification: Likely benign for Inborn genetic diseases. Last evaluated: 2022-06-29. Review status: criteria provided, single submitter. Criteria: Ambry Variant Classification Scheme 2023. Collection method: clinical testing. Allele origin: germline.

Labcorp Genetics (formerly Invitae), Labcorp
Classification: Uncertain significance for Inflammatory bowel disease 28. Last evaluated: 2022-06-10. Review status: criteria provided, single submitter. Criteria: Invitae Variant Classification Sherloc (09022015). Collection method: clinical testing. Allele origin: germline.
Comment: In summary, the available evidence is currently insufficient to determine the role of this variant in disease. Therefore, it has been classified as a Variant of Uncertain Significance. Algorithms developed to predict the effect of missense changes on protein structure and function output the following: SIFT: "Tolerated"; PolyPhen-2: "Benign"; Align-GVGD: "Class C0". The glutamic acid amino acid residue is found in multiple mammalian species, which suggests that this missense change does not adversely affect protein function. This variant has not been reported in the literature in individuals affected with IL10RA-related conditions. This variant is present in population databases (rs373278759, gnomAD 0.003%). This sequence change replaces valine, which is neutral and non-polar, with glutamic acid, which is acidic and polar, at codon 355 of the IL10RA protein (p.Val355Glu).

NM_001558.4(IL10RA):c.1064T>A (p.Val355Glu)

Gene: IL10RA (interleukin 10 receptor subunit alpha; plus strand). Cytogenetic location: 11q23.3.
Variant type: single nucleotide variant.
Coding change: c.1064T>A on transcript NM_001558.4 (MANE Select); coding-DNA position 1064, T replaced by A.
Protein change: p.Val355Glu; replaces valine 355 with glutamic acid.
Molecular consequence: missense variant. On other transcripts: non-coding transcript variant (1).
Genome position (GRCh38, 1-based): chr11:117,998,968, T>A. VCF-style: chr11-117998968-T-A. GRCh37 (hg19) VCF-style: chr11-117869683-T-A.
Other names: short protein forms V355E.
Identifiers: ClinVar variation 1906330 (VCV001906330.6), dbSNP rs373278759, ClinGen allele CA6299111.